The following is an entry in ClinVar:

ClinVar aggregate classification (germline): Benign/Likely benign. Review status: criteria provided, multiple submitters, no conflicts (2 of 4 stars). 6 submissions from 6 submitters: Benign (1); Likely benign (5). Last evaluated 2026-01-05.

Conditions:
PRICKLE1-related disorder. Also called: PRICKLE1-Related Disorders; PRICKLE1-related condition. Identifiers: MedGen CN381536.
Epilepsy, progressive myoclonic, 1B. Also called: PME. Identifiers: Orphanet 308, MedGen C2676254, MONDO:0012904, OMIM 612437.

Allele frequency attached by ClinVar (database versions not stated): gnomAD exomes 0.00004 and 0.00010; ExAC 0.00013; 1000 Genomes Project 0.00020; 1000 Genomes Project 30x 0.00031; gnomAD 0.00036 and 0.00039; TOPMed 0.00043; ESP Exome Variant Server 0.00046.
gnomAD v4.1: 118 of 1,614,118 alleles (0.0073%); highest among the groups gnomAD compares: African/African-American, 0.14%; no homozygotes.

Submissions (6):

Labcorp Genetics (formerly Invitae), Labcorp
Classification: Likely benign for Epilepsy, progressive myoclonic, 1B. Last evaluated: 2026-01-05. Review status: criteria provided, single submitter. Criteria: Invitae Variant Classification Sherloc (09022015). Collection method: clinical testing. Allele origin: germline.

Athena Diagnostics
Classification: Benign. Last evaluated: 2024-12-24. Review status: criteria provided, single submitter. Criteria: Athena Diagnostics Criteria. Collection method: clinical testing. Allele origin: unknown.
Comment: The frequency of this variant in the general population is higher than would generally be expected for pathogenic variants in this gene. Computational tools yielded predictions that this variant is unlikely to have an effect on normal RNA splicing. This nucleotide position exhibits low evolutionary conservation.

PreventionGenetics, part of Exact Sciences
Classification: Likely benign for PRICKLE1-related condition. Last evaluated: 2024-12-19. Review status: criteria provided, single submitter. Criteria: ACMG Guidelines, 2015. Collection method: clinical testing. Allele origin: germline.
Comment: This variant is classified as likely benign based on ACMG/AMP sequence variant interpretation guidelines (Richards et al. 2015 PMID: 25741868, with internal and published modifications).

Blueprint Genetics
Classification: Likely benign. Last evaluated: 2024-11-25. Review status: criteria provided, single submitter. Criteria: ACMG Guidelines, 2015. Collection method: clinical testing. Allele origin: germline.

Ambry Genetics
Classification: Likely benign. Last evaluated: 2016-07-29. Review status: criteria provided, single submitter. Criteria: Ambry Variant Classification Scheme 2023. Collection method: clinical testing. Allele origin: germline.

GeneDx
Classification: Likely benign. Last evaluated: 2016-02-05. Review status: criteria provided, single submitter. Criteria: GeneDx Variant Classification (06012015). Collection method: clinical testing. Allele origin: germline. Affected: yes.
Comment: This variant is considered likely benign or benign based on one or more of the following criteria: it is a conservative change, it occurs at a poorly conserved position in the protein, it is predicted to be benign by multiple in silico algorithms, and/or has population frequency not consistent with disease.

NM_153026.3(PRICKLE1):c.2193C>T (p.Tyr731=)

Gene: PRICKLE1 (prickle planar cell polarity protein 1; minus strand). Cytogenetic location: 12q12.
Variant type: single nucleotide variant.
Coding change: c.2193C>T on transcript NM_153026.3 (MANE Select); coding-DNA position 2193, C replaced by T.
Protein change: p.Tyr731=; no amino-acid change (tyrosine 731 retained).
Molecular consequence: synonymous variant.
Genome position (GRCh38, 1-based): chr12:42,460,112, G>A on the plus strand (C>T on the coding strand, the complement: PRICKLE1 is on the minus strand). VCF-style: chr12-42460112-G-A. GRCh37 (hg19) VCF-style: chr12-42853914-G-A.
Other names: c.2193C>T, p.Tyr731= (NM_001144881.2, NM_001144882.2, NM_001144883.2).
Identifiers: ClinVar variation 383265 (VCV000383265.19), dbSNP rs137985321, ClinGen allele CA6519638.
Genomic context (GRCh38, chr12:42,460,112, plus strand): 5'-AAACCGATTCATTCCTGGGTTCTGCAGGCCATAATCGGAAGTGGCATGGGCGTACTGTCC[G>A]TAGAGATCAGCATTCTGGATGTATGCTTGGATCTCCCGGGCACTTTTATTCTGTATAAAT-3'
Protein context (NP_694571.2, residues 721-741): IQAYIQNADL[Tyr731=]GQYAHATSDY